The following is an entry in ClinVar:

ClinVar aggregate classification (germline): Uncertain significance (1 of 4 stars; one submission).

Conditions:
COL4A4-related disorder.

gnomAD v4.1: 3 of 1,613,968 alleles (0.00019%); highest among the groups gnomAD compares: Admixed American, 0.005%; no homozygotes.

Submission:

PreventionGenetics, part of Exact Sciences
Classification: Uncertain significance for COL4A4-related condition. Last evaluated: 2025-09-02. Review status: criteria provided, single submitter. Criteria: ACMG Guidelines, 2015. Collection method: clinical testing. Allele origin: germline.
Comment: The COL4A4 c.2855C>G variant is predicted to result in the amino acid substitution p.Ala952Gly. To our knowledge, this variant has not been reported in the literature. This variant is reported in 0.0058% of alleles in individuals of Latino descent in gnomAD. At this time, the clinical significance of this variant is uncertain due to the absence of conclusive functional and genetic evidence.

NM_000092.5(COL4A4):c.2855C>G (p.Ala952Gly)

Gene: COL4A4 (collagen type IV alpha 4 chain; minus strand). Cytogenetic location: 2q36.3.
Variant type: single nucleotide variant.
Coding change: c.2855C>G on transcript NM_000092.5 (MANE Select); coding-DNA position 2855, C replaced by G.
Protein change: p.Ala952Gly; replaces alanine 952 with glycine.
Molecular consequence: missense variant.
Genome position (GRCh38, 1-based): chr2:227,054,599, G>C on the plus strand (C>G on the coding strand, the complement: COL4A4 is on the minus strand). VCF-style: chr2-227054599-G-C. GRCh37 (hg19) VCF-style: chr2-227919315-G-C.
Other names: short protein forms A952G.
Identifiers: ClinVar variation 4986053 (VCV004986053.1).